The following is an entry in ClinVar:

NM_020376.4(PNPLA2):c.947C>T (p.Thr316Met)

Gene: PNPLA2 (patatin like domain 2, triacylglycerol lipase; plus strand). Cytogenetic location: 11p15.5.
Variant type: single nucleotide variant.
Coding change: c.947C>T on transcript NM_020376.4 (MANE Select); coding-DNA position 947, C replaced by T.
Protein change: p.Thr316Met; replaces threonine 316 with methionine.
Molecular consequence: missense variant.
Genome position (GRCh38, 1-based): chr11:824,025, C>T. VCF-style: chr11-824025-C-T. GRCh37 (hg19) VCF-style: chr11-824025-C-T.
Other names: p.Thr316Met; short protein forms T316M.
Identifiers: ClinVar variation 2173122 (VCV002173122.2), dbSNP rs972842032, ClinGen allele CA216971282.
Genomic context (GRCh38, chr11:824,025, plus strand): 5'-TCCACTGGCCGCCGACCTCCCGCCCACCCGCAGCCCTGCTGGAGGCCTGCGTGGAGCCCA[C>T]GGACCTGCTGACCACCCTCTCCAACATGCTGCCTGTGCGTCTGGCCACGGCCATGATGGT-3'
Protein context (NP_065109.1, residues 306-326): EALLEACVEP[Thr316Met]DLLTTLSNML

ClinVar aggregate classification (germline): Uncertain significance. Review status: criteria provided, multiple submitters, no conflicts (2 of 4 stars). 2 submissions from 2 submitters: Uncertain significance (2). Last evaluated 2025-11-06.

Conditions:
Neutral lipid storage myopathy (NLSDM). Also called: NEUTRAL LIPID STORAGE DISEASE WITHOUT ICHTHYOSIS. Identifiers: Orphanet 98908, MedGen C1853136, MONDO:0012545, OMIM 610717.

Allele frequency attached by ClinVar (database versions not stated): gnomAD 0.00001; TOPMed 0.00002.
gnomAD v4.1: 5 of 1,609,750 alleles (0.00031%); highest among the groups gnomAD compares: Admixed American, 0.0033%; no homozygotes.

Submissions (2):

Mayo Clinic Laboratories, Mayo Clinic
Classification: Uncertain significance. Last evaluated: 2025-11-06. Review status: criteria provided, single submitter. Criteria: ACMG Guidelines, 2015. Collection method: clinical testing. Allele origin: germline. Observed: 1 variant allele.
Comment: BP4, PM2_supporting

Labcorp Genetics (formerly Invitae), Labcorp
Classification: Uncertain significance for Neutral lipid storage myopathy. Last evaluated: 2022-04-13. Review status: criteria provided, single submitter. Criteria: Invitae Variant Classification Sherloc (09022015). Collection method: clinical testing. Allele origin: germline.
Comment: This sequence change replaces threonine, which is neutral and polar, with methionine, which is neutral and non-polar, at codon 316 of the PNPLA2 protein (p.Thr316Met). The frequency data for this variant in the population databases is considered unreliable, as metrics indicate poor data quality at this position in the gnomAD database. This variant has not been reported in the literature in individuals affected with PNPLA2-related conditions. Algorithms developed to predict the effect of missense changes on protein structure and function are either unavailable or do not agree on the potential impact of this missense change (SIFT: "Deleterious"; PolyPhen-2: "Benign"; Align-GVGD: "Class C0"). In summary, the available evidence is currently insufficient to determine the role of this variant in disease. Therefore, it has been classified as a Variant of Uncertain Significance.